The following is an entry in ClinVar:

ClinVar aggregate classification (germline): Benign/Likely benign. Review status: criteria provided, multiple submitters, no conflicts (2 of 4 stars). 11 submissions from 11 submitters: Benign (1); Likely benign (8). 2 of the submissions do not count toward it. Last evaluated 2025-12-19.

Conditions:
Cardiovascular phenotype. Identifiers: MedGen CN230736.
Cardiomyopathy (CMYO). Also called: Cardiomyopathies. Identifiers: Orphanet 167848, MedGen C0878544, MONDO:0004994, HP:0001638. Inheritance: Various modes of inheritance.
Hypertrophic cardiomyopathy. Also called: HYPERTROPHIC MYOCARDIOPATHY. Identifiers: Orphanet 217569, MedGen C0007194, MeSH D002312, MONDO:0005045, HP:0001639.

Allele frequency attached by ClinVar (database versions not stated): TOPMed 0.00003; gnomAD exomes 0.00004 and 0.00006; gnomAD 0.00005 and 0.00006; ExAC 0.00007.
gnomAD v4.1: 65 of 1,613,904 alleles (0.004%); highest among the groups gnomAD compares: Middle Eastern, 0.049%; no homozygotes.

Submissions (11):

Labcorp Genetics (formerly Invitae), Labcorp
Classification: Likely benign for Hypertrophic cardiomyopathy. Last evaluated: 2025-12-19. Review status: criteria provided, single submitter. Criteria: Invitae Variant Classification Sherloc (09022015). Collection method: clinical testing. Allele origin: germline.

Blueprint Genetics
Classification: Likely benign. Last evaluated: 2024-11-06. Review status: criteria provided, single submitter. Criteria: ACMG Guidelines, 2015. Collection method: clinical testing. Allele origin: germline.

ARUP Laboratories, Molecular Genetics and Genomics, ARUP Laboratories
Classification: Likely benign. Last evaluated: 2023-12-21. Review status: criteria provided, single submitter. Criteria: ARUP Molecular Germline Variant Investigation Process 2024. Collection method: clinical testing. Allele origin: germline.

CeGaT Center for Human Genetics Tuebingen
Classification: Likely benign. Last evaluated: 2023-11-01. Review status: criteria provided, single submitter. Criteria: CeGaT Center For Human Genetics Tuebingen Variant Classification Criteria Version 2. Collection method: clinical testing. Allele origin: germline. Affected: yes. Observed: 2 variant alleles.
Comment: MYBPC3: BP4, BP7

Ambry Genetics
Classification: Likely benign for Cardiovascular phenotype. Last evaluated: 2022-12-23. Review status: criteria provided, single submitter. Criteria: Ambry Variant Classification Scheme 2023. Collection method: clinical testing. Allele origin: germline.

Color Diagnostics, LLC DBA Color Health
Classification: Likely benign for Cardiomyopathy. Last evaluated: 2018-05-07. Review status: criteria provided, single submitter. Criteria: ACMG Guidelines, 2015. Collection method: clinical testing. Allele origin: germline.

CHEO Genetics Diagnostic Laboratory, Children's Hospital of Eastern Ontario
Classification: Likely benign for Cardiomyopathy. Last evaluated: 2017-11-17. Review status: criteria provided, single submitter. Criteria: ACMG Guidelines, 2015. Collection method: clinical testing. Allele origin: germline.

GeneDx
Classification: Benign. Last evaluated: 2015-03-03. Review status: criteria provided, single submitter. Criteria: GeneDx Variant Classification Process June 2021. Collection method: clinical testing. Allele origin: germline. Affected: yes.

Laboratory for Molecular Medicine, Mass General Brigham Personalized Medicine
Classification: Likely benign. Last evaluated: 2013-02-08. Review status: criteria provided, single submitter. Criteria: LMM Criteria. Collection method: clinical testing. Allele origin: germline. Observed: 1 variant allele.
Comment: Thr498Thr in exon 17 of MYBPC3: This variant is not expected to have clinical si gnificance because it does not alter an amino acid residue and is not located wi thin the splice consensus sequence. Thr498Thr in exon 17 of MYBPC3 (allele fre quency = n/a)

Genome Diagnostics Laboratory, University Medical Center Utrecht
Classification: Likely benign. Review status: no assertion criteria provided. Collection method: clinical testing. Allele origin: germline. Affected: yes. Study: VKGL Data-share Consensus. Not counted in ClinVar's aggregate classification.

Joint Genome Diagnostic Labs from Nijmegen and Maastricht, Radboudumc and MUMC+
Classification: Likely benign. Review status: no assertion criteria provided. Collection method: clinical testing. Allele origin: germline. Affected: yes. Study: VKGL Data-share Consensus. Not counted in ClinVar's aggregate classification.

NM_000256.3(MYBPC3):c.1494C>G (p.Thr498=)

Gene: MYBPC3 (myosin binding protein C3; minus strand). Cytogenetic location: 11p11.2.
Variant type: single nucleotide variant.
Coding change: c.1494C>G on transcript NM_000256.3 (MANE Select); coding-DNA position 1494, C replaced by G.
Protein change: p.Thr498=; no amino-acid change (threonine 498 retained).
Molecular consequence: synonymous variant.
Genome position (GRCh38, 1-based): chr11:47,342,708, G>C on the plus strand (C>G on the coding strand, the complement: MYBPC3 is on the minus strand). VCF-style: chr11-47342708-G-C. GRCh37 (hg19) VCF-style: chr11-47364259-G-C.
Identifiers: ClinVar variation 42539 (VCV000042539.60), dbSNP rs397515906, ClinGen allele CA010485.